The following is an entry in ClinVar:

NM_001374385.1(ATP8B1):c.1501G>A (p.Ala501Thr)

Gene: ATP8B1 (ATPase phospholipid transporting 8B1; minus strand). Cytogenetic location: 18q21.31.
Variant type: single nucleotide variant.
Coding change: c.1501G>A on transcript NM_001374385.1 (MANE Select); coding-DNA position 1501, G replaced by A.
Protein change: p.Ala501Thr; replaces alanine 501 with threonine.
Molecular consequence: missense variant.
Genome position (GRCh38, 1-based): chr18:57,684,165, C>T on the plus strand (G>A on the coding strand, the complement: ATP8B1 is on the minus strand). VCF-style: chr18-57684165-C-T. GRCh37 (hg19) VCF-style: chr18-55351397-C-T.
Other names: c.1351G>A, p.Ala451Thr (NM_001374386.1); c.1501G>A, p.Ala501Thr (NM_005603.6); short protein forms A451T, A501T.
Identifiers: ClinVar variation 3358689 (VCV003358689.1).

ClinVar aggregate classification (germline): Uncertain significance (0 of 4 stars; one submission).

Conditions:
ATP8B1-related disorder. Also called: ATP8B1-related condition; ATP8B1-related disorders.

gnomAD v4.1: 18 of 1,613,950 alleles (0.0011%); highest among the groups gnomAD compares: South Asian, 0.019%; no homozygotes.

Submission:

PreventionGenetics, part of Exact Sciences
Classification: Uncertain significance for ATP8B1-related condition. Last evaluated: 2024-04-18. Review status: no assertion criteria provided. Collection method: clinical testing. Allele origin: germline.
Comment: The ATP8B1 c.1501G>A variant is predicted to result in the amino acid substitution p.Ala501Thr. To our knowledge, this variant has not been reported in the literature. This variant is reported in 0.016% of alleles in individuals of South Asian descent in gnomAD. At this time, the clinical significance of this variant is uncertain due to the absence of conclusive functional and genetic evidence.